The following is an entry in ClinVar:

NM_000400.4(ERCC2):c.877C>T (p.Arg293Trp)

Gene: ERCC2 (ERCC excision repair 2, TFIIH core complex helicase subunit; minus strand). Cytogenetic location: 19q13.32.
Variant type: single nucleotide variant.
Coding change: c.877C>T on transcript NM_000400.4 (MANE Select); coding-DNA position 877, C replaced by T.
Protein change: p.Arg293Trp; replaces arginine 293 with tryptophan.
Molecular consequence: missense variant.
Genome position (GRCh38, 1-based): chr19:45,364,058, G>A on the plus strand (C>T on the coding strand, the complement: ERCC2 is on the minus strand). VCF-style: chr19-45364058-G-A. GRCh37 (hg19) VCF-style: chr19-45867316-G-A.
Other names: c.805C>T, p.Arg269Trp (NM_001130867.2); short protein forms R269W, R293W.
Identifiers: ClinVar variation 2602416 (VCV002602416.2), dbSNP rs1972330162, ClinGen allele CA406373590.

ClinVar aggregate classification (germline): Uncertain significance (1 of 4 stars; one submission).

Conditions:
Inborn genetic diseases. Identifiers: MedGen C0950123, MeSH D030342.

Submission:

Ambry Genetics
Classification: Uncertain significance for Inborn genetic diseases. Last evaluated: 2023-08-26. Review status: criteria provided, single submitter. Criteria: Ambry Variant Classification Scheme 2023. Collection method: clinical testing. Allele origin: germline.
Comment: The p.R293W variant (also known as c.877C>T), located in coding exon 10 of the ERCC2 gene, results from a C to T substitution at nucleotide position 877. The arginine at codon 293 is replaced by tryptophan, an amino acid with dissimilar properties. This amino acid position is conserved. In addition, the in silico prediction for this alteration is inconclusive. Since supporting evidence is limited at this time, the clinical significance of this alteration remains unclear.